The following is an entry in ClinVar:

ClinVar aggregate classification (germline): Uncertain significance. Review status: criteria provided, multiple submitters, no conflicts (2 of 4 stars). 2 submissions from 2 submitters: Uncertain significance (2). Last evaluated 2023-09-24.

Conditions:
Hereditary cancer-predisposing syndrome. Also called: Tumor predisposition; Hereditary neoplastic syndrome; Hereditary Cancer Syndrome; Neoplastic Syndromes, Hereditary. Identifiers: Orphanet 140162, MedGen C0027672, MeSH D009386, MONDO:0015356.
Familial adenomatous polyposis 1 (FAP1). Also called: FAMILIAL ADENOMATOUS POLYPOSIS 1, ATTENUATED; POLYPOSIS, ADENOMATOUS INTESTINAL. Identifiers: MedGen C2713442, MONDO:0021056, OMIM 175100. Disease mechanism: loss of function.

Allele frequency attached by ClinVar (database versions not stated): TOPMed below 0.00001.

Submissions (2):

Ambry Genetics
Classification: Uncertain significance for Hereditary cancer-predisposing syndrome. Last evaluated: 2023-09-24. Review status: criteria provided, single submitter. Criteria: Ambry Variant Classification Scheme 2023. Collection method: clinical testing. Allele origin: germline.
Comment: The p.E109G variant (also known as c.326A>G), located in coding exon 3 of the APC gene, results from an A to G substitution at nucleotide position 326. The glutamic acid at codon 109 is replaced by glycine, an amino acid with similar properties. This amino acid position is conserved. In addition, in silico predictors for this gene do not accurately predict pathogenicity. Since supporting evidence is limited at this time, the clinical significance of this alteration remains unclear.

Labcorp Genetics (formerly Invitae), Labcorp
Classification: Uncertain significance for Familial adenomatous polyposis 1. Last evaluated: 2019-10-18. Review status: criteria provided, single submitter. Criteria: Invitae Variant Classification Sherloc (09022015). Collection method: clinical testing. Allele origin: germline.
Comment: In summary, the available evidence is currently insufficient to determine the role of this variant in disease. Therefore, it has been classified as a Variant of Uncertain Significance. Algorithms developed to predict the effect of missense changes on protein structure and function (SIFT, PolyPhen-2, Align-GVGD) all suggest that this variant is likely to be tolerated, but these predictions have not been confirmed by published functional studies and their clinical significance is uncertain. This variant has not been reported in the literature in individuals with APC-related conditions. This variant is not present in population databases (ExAC no frequency). This sequence change replaces glutamic acid with glycine at codon 109 of the APC protein (p.Glu109Gly). The glutamic acid residue is highly conserved and there is a moderate physicochemical difference between glutamic acid and glycine.

NM_000038.6(APC):c.326A>G (p.Glu109Gly)

Gene: APC (APC regulator of Wnt signaling pathway; plus strand). Cytogenetic location: 5q22.2.
Variant type: single nucleotide variant.
Coding change: c.326A>G on transcript NM_000038.6 (MANE Select); coding-DNA position 326, A replaced by G.
Protein change: p.Glu109Gly; replaces glutamic acid 109 with glycine.
Molecular consequence: missense variant. On other transcripts: 5 prime UTR variant (1).
Genome position (GRCh38, 1-based): chr5:112,767,294, A>G. VCF-style: chr5-112767294-A-G. GRCh37 (hg19) VCF-style: chr5-112102991-A-G.
Other names: c.326A>G, p.Glu109Gly (NM_001127510.3, NM_001354895.2, NM_001354896.2 and 2 more transcripts); c.356A>G, p.Glu119Gly (NM_001127511.3, NM_001354897.2, NM_001354902.2); c.251A>G, p.Glu84Gly (NM_001354898.2, NM_001354904.2); c.149A>G, p.Glu50Gly (NM_001354900.2, NM_001354901.2, NM_001354905.2); c.-710A>G (NM_001354906.2); short protein forms E109G, E119G, E50G, E84G.
Identifiers: ClinVar variation 964782 (VCV000964782.12), dbSNP rs1756458773, ClinGen allele CA16022034.